The following is an entry in ClinVar:

NM_001048174.2(MUTYH):c.828C>G (p.Ser276Arg)

Gene: MUTYH (mutY DNA glycosylase; minus strand). Cytogenetic location: 1p34.1.
Variant type: single nucleotide variant.
Coding change: c.828C>G on transcript NM_001048174.2 (MANE Select); coding-DNA position 828, C replaced by G.
Protein change: p.Ser276Arg; replaces serine 276 with arginine.
Molecular consequence: missense variant. On other transcripts: non-coding transcript variant (2).
Genome position (GRCh38, 1-based): chr1:45,332,187, G>C on the plus strand (C>G on the coding strand, the complement: MUTYH is on the minus strand). VCF-style: chr1-45332187-G-C. GRCh37 (hg19) VCF-style: chr1-45797859-G-C.
Other names: c.828C>G, p.Ser276Arg (NM_001048171.2, NM_001048173.2, NM_001293195.2); c.831C>G, p.Ser277Arg (NM_001048172.2); c.912C>G, p.Ser304Arg (NM_001128425.2); c.873C>G, p.Ser291Arg (NM_001293190.2); c.861C>G, p.Ser287Arg (NM_001293191.2); c.552C>G, p.Ser184Arg (NM_001293192.2, NM_001293196.2); c.483C>G, p.Ser161Arg (NM_001350650.2, NM_001350651.2); c.903C>G, p.Ser301Arg (NM_012222.3); short protein forms S304R, S287R, S291R, S161R, S301R, S184R, S276R, S277R.
Identifiers: ClinVar variation 230638 (VCV000230638.19), dbSNP rs767805597, ClinGen allele CA059578.

ClinVar aggregate classification (germline): Conflicting classifications of pathogenicity. Review status: criteria provided, conflicting classifications (1 of 4 stars). 6 submissions from 6 submitters: Uncertain significance (5); Likely benign (1). Last evaluated 2026-02-11.

Conditions:
Hereditary cancer-predisposing syndrome. Also called: Tumor predisposition; Hereditary Cancer Syndrome; Neoplastic Syndromes, Hereditary; Hereditary neoplastic syndrome. Identifiers: Orphanet 140162, MedGen C0027672, MeSH D009386, MONDO:0015356.
Familial adenomatous polyposis 2. Also called: MYH-associated polyposis; FAP type 2; ADENOMAS, MULTIPLE COLORECTAL, AUTOSOMAL RECESSIVE; MUTYH Polyposis; MUTYH-associated polyposis; MUTYH-related attenuated familial adenomatous polyposis. Identifiers: Orphanet 220460, Orphanet 247798, MedGen C3272841, MONDO:0012041, OMIM 608456.

Allele frequency attached by ClinVar (database versions not stated): TOPMed below 0.00001; ExAC 0.00001; gnomAD 0.00001.
gnomAD v4.1: 23 of 1,614,072 alleles (0.0014%); highest among the groups gnomAD compares: Non-Finnish European, 0.0019%; no homozygotes.

Submissions (6):

St. Jude Molecular Pathology, St. Jude Children's Research Hospital
Classification: Uncertain significance for Familial adenomatous polyposis 2. Last evaluated: 2026-02-11. Review status: criteria provided, single submitter. Criteria: St. Jude Assertion Criteria 2020. Collection method: clinical testing. Allele origin: germline.
Comment: The MUTYH c.912C>G p.(Ser304Arg) missense change has a maximum subpopulation frequency of 0.0016% in gnomAD v2.1.1. The in silico tool REVEL predicts a benign effect on protein function, but to our knowledge this prediction has not been confirmed by functional studies. This variant has been reported in an individual with hereditary colorectal cancer (PMID: 33414168). In summary, the evidence currently available is insufficient to determine the clinical significance of this variant. It has therefore been classified as of uncertain significance.

Ambry Genetics
Classification: Likely benign for Hereditary cancer-predisposing syndrome. Last evaluated: 2025-09-15. Review status: criteria provided, single submitter. Criteria: Ambry Variant Classification Scheme 2023. Collection method: clinical testing. Allele origin: germline.

Labcorp Genetics (formerly Invitae), Labcorp
Classification: Uncertain significance for Familial adenomatous polyposis 2. Last evaluated: 2025-08-04. Review status: criteria provided, single submitter. Criteria: Invitae Variant Classification Sherloc (09022015). Collection method: clinical testing. Allele origin: germline.
Comment: This sequence change replaces serine, which is neutral and polar, with arginine, which is basic and polar, at codon 304 of the MUTYH protein (p.Ser304Arg). This variant is present in population databases (rs767805597, gnomAD 0.002%). This missense change has been observed in individual(s) with colorectal cancer (PMID: 33414168). ClinVar contains an entry for this variant (Variation ID: 230638). An algorithm developed to predict the effect of missense changes on protein structure and function outputs the following: PolyPhen-2: "Benign". The arginine amino acid residue is found in multiple mammalian species, which suggests that this missense change does not adversely affect protein function. In summary, the available evidence is currently insufficient to determine the role of this variant in disease. Therefore, it has been classified as a Variant of Uncertain Significance.

All of Us Research Program, National Institutes of Health
Classification: Uncertain significance for Familial adenomatous polyposis 2. Last evaluated: 2023-08-15. Review status: criteria provided, single submitter. Criteria: ACMG Guidelines, 2015. Collection method: clinical testing. Allele origin: germline. Inheritance: Autosomal recessive inheritance. Observed: 1 variant allele, 1 heterozygote.
Comment: This missense variant replaces serine with arginine at codon 304 of the MUTYH protein. Computational prediction suggests that this variant may not impact protein structure and function (internally defined REVEL score threshold <= 0.5, PMID: 27666373). To our knowledge, functional studies have not been reported for this variant. This variant has been reported in an individual affected with colorectal cancer (PMID: 33414168). This variant has been identified in 2/282648 chromosomes in the general population by the Genome Aggregation Database (gnomAD). The available evidence is insufficient to determine the role of this variant in disease conclusively. Therefore, this variant is classified as a Variant of Uncertain Significance.

This study involves interpretation of variants in research participants for the purpose of population health screening. Participant phenotype was not available at the time of variant classification. Additional details can be found in publication PMID: 35346344, PMCID: PMC8962531

Color Diagnostics, LLC DBA Color Health
Classification: Uncertain significance for Hereditary cancer-predisposing syndrome. Last evaluated: 2022-11-16. Review status: criteria provided, single submitter. Criteria: ACMG Guidelines, 2015. Collection method: clinical testing. Allele origin: germline.
Comment: This missense variant replaces serine with arginine at codon 304 of the MUTYH protein. Computational prediction suggests that this variant may not impact protein structure and function (internally defined REVEL score threshold <= 0.5, PMID: 27666373). To our knowledge, functional studies have not been reported for this variant. This variant has been reported in an individual affected with colorectal cancer (PMID: 33414168). This variant has been identified in 2/282648 chromosomes in the general population by the Genome Aggregation Database (gnomAD). The available evidence is insufficient to determine the role of this variant in disease conclusively. Therefore, this variant is classified as a Variant of Uncertain Significance.

Quest Diagnostics Nichols Institute San Juan Capistrano
Classification: Uncertain significance. Last evaluated: 2020-04-06. Review status: criteria provided, single submitter. Criteria: Quest Diagnostics criteria. Collection method: clinical testing. Allele origin: unknown.

Literature cited by the submitters: PubMed 33414168 (cited by 3 submitters).